The following is an entry in ClinVar:

NM_001005242.3(PKP2):c.1035G>A (p.Gly345=)

Gene: PKP2 (plakophilin 2; minus strand). Cytogenetic location: 12p11.21.
Variant type: single nucleotide variant.
Coding change: c.1035G>A on transcript NM_001005242.3 (MANE Select); coding-DNA position 1035, G replaced by A.
Protein change: p.Gly345=; no amino-acid change (glycine 345 retained).
Molecular consequence: synonymous variant.
Genome position (GRCh38, 1-based): chr12:32,869,062, C>T on the plus strand (G>A on the coding strand, the complement: PKP2 is on the minus strand). VCF-style: chr12-32869062-C-T. GRCh37 (hg19) VCF-style: chr12-33021996-C-T.
Other names: c.1035G>A, p.Gly345= (NM_004572.4).
Identifiers: ClinVar variation 921309 (VCV000921309.12), dbSNP rs905404609, ClinGen allele CA235260146.

ClinVar aggregate classification (germline): Likely benign. Review status: criteria provided, multiple submitters, no conflicts (2 of 4 stars). 5 submissions from 5 submitters: Likely benign (5). Last evaluated 2026-08-21.

Conditions:
PKP2-related disorder. Also called: PKP2-related condition.
Cardiovascular phenotype. Identifiers: MedGen CN230736.
Arrhythmogenic right ventricular cardiomyopathy (ARVD). Also called: Cardiomyopathy, ARVC; Arrhythmogenic right ventricular dysplasia; Arrhythmogenic cardiomyopathy; Arrhythmogenic Right Ventricular Cardiomyopathy (ARVC). Identifiers: Orphanet 247, MedGen C0349788, MeSH D019571, MONDO:0016587. Disease mechanism: loss of function. Inheritance: Various modes of inheritance.
Arrhythmogenic right ventricular dysplasia 9 (ARVD9). Also called: Arrhythmogenic Right Ventricular Dysplasia/Cardiomyopathy 9; ARRHYTHMOGENIC RIGHT VENTRICULAR DYSPLASIA, FAMILIAL, 9. Identifiers: MedGen C1836906, MONDO:0012180, OMIM 609040.
Cardiomyopathy (CMYO). Also called: Cardiomyopathies. Identifiers: Orphanet 167848, MedGen C0878544, MONDO:0004994, HP:0001638. Inheritance: Various modes of inheritance.

Allele frequency attached by ClinVar (database versions not stated): gnomAD exomes below 0.00001 and 0.00001; TOPMed below 0.00001; gnomAD 0.00001.
gnomAD v4.1: 17 of 1,613,738 alleles (0.0011%); highest among the groups gnomAD compares: Middle Eastern, 0.066%; no homozygotes.

Submissions (5):

PreventionGenetics, part of Exact Sciences
Classification: Likely benign for PKP2-related condition. Last evaluated: 2026-08-21. Review status: criteria provided, single submitter. Criteria: ACMG Guidelines, 2015. Collection method: clinical testing. Allele origin: germline.
Comment: This variant is classified as likely benign based on ACMG/AMP sequence variant interpretation guidelines (Richards et al. 2015 PMID: 25741868, with internal and published modifications).

Labcorp Genetics (formerly Invitae), Labcorp
Classification: Likely benign for Arrhythmogenic right ventricular dysplasia 9. Last evaluated: 2025-09-05. Review status: criteria provided, single submitter. Criteria: Invitae Variant Classification Sherloc (09022015). Collection method: clinical testing. Allele origin: germline.

All of Us Research Program, National Institutes of Health
Classification: Likely benign for Arrhythmogenic right ventricular cardiomyopathy. Last evaluated: 2023-03-23. Review status: criteria provided, single submitter. Criteria: ACMG Guidelines, 2015. Collection method: clinical testing. Allele origin: germline. Inheritance: Autosomal dominant inheritance. Observed: 1 variant allele, 1 heterozygote.
Comment: This study involves interpretation of variants in research participants for the purpose of population health screening. Participant phenotype was not available at the time of variant classification. Additional details can be found in publication PMID: 35346344, PMCID: PMC8962531

Ambry Genetics
Classification: Likely benign for Cardiovascular phenotype. Last evaluated: 2022-10-02. Review status: criteria provided, single submitter. Criteria: Ambry Variant Classification Scheme 2023. Collection method: clinical testing. Allele origin: germline.

Color Diagnostics, LLC DBA Color Health
Classification: Likely benign for Cardiomyopathy. Last evaluated: 2018-11-09. Review status: criteria provided, single submitter. Criteria: ACMG Guidelines, 2015. Collection method: clinical testing. Allele origin: germline.